The following is an entry in ClinVar:

NM_003356.4(UCP3):c.338-19CT[2]

Gene: UCP3 (uncoupling protein 3; minus strand). Cytogenetic location: 11q13.4.
Variant type: Microsatellite.
Coding change: c.338-19CT[2] on transcript NM_003356.4 (MANE Select); two copies in a row of the 2-base unit CT starting at c.338-19; the reference has four copies in a row; two copies, 4 bases deleted.
Molecular consequence: intron variant.
Genome position (GRCh38, 1-based): chr11:74,005,945-74,005,948, AGAG deleted on the plus strand (CTCT on the coding strand, the reverse complement: UCP3 is on the minus strand); deleting any 4 consecutive bases within chr11:74,005,945-74,005,952 gives the same sequence; the position shown is the placement nearest the transcript's 3' end. VCF-style (leftmost placement, unchanged base first): chr11-74005944-CAGAG-C. GRCh37 (hg19) VCF-style: chr11-73716989-CAGAG-C.
Other names: c.338-19CT[2] (NM_022803.3).
Identifiers: ClinVar variation 1910776 (VCV001910776.5), dbSNP rs762071155, ClinGen allele CA6181519.

ClinVar aggregate classification (germline): Uncertain significance (1 of 4 stars; one submission).

Submission:

Labcorp Genetics (formerly Invitae), Labcorp
Classification: Uncertain significance. Last evaluated: 2023-05-05. Review status: criteria provided, single submitter. Criteria: Invitae Variant Classification Sherloc (09022015). Collection method: clinical testing. Allele origin: germline.
Comment: The frequency data for this variant in the population databases is considered unreliable, as metrics indicate poor data quality at this position in the gnomAD database. This sequence change falls in intron 3 of the UCP3 gene. It does not directly change the encoded amino acid sequence of the UCP3 protein. In summary, the available evidence is currently insufficient to determine the role of this variant in disease. Therefore, it has been classified as a Variant of Uncertain Significance. Algorithms developed to predict the effect of sequence changes on RNA splicing suggest that this variant may create or strengthen a splice site. This variant has not been reported in the literature in individuals affected with UCP3-related conditions.